The following is an entry in ClinVar:

ClinVar aggregate classification (germline): Likely benign. Review status: criteria provided, multiple submitters, no conflicts (2 of 4 stars). 2 submissions from 2 submitters: Likely benign (2). Last evaluated 2025-04-09.

Conditions:
Citrin deficiency. Identifiers: Orphanet 247582, MedGen C1997910, MONDO:0016602.
SLC25A13-related disorder. Also called: SLC25A13-related condition.

Allele frequency attached by ClinVar (database versions not stated): TOPMed 0.00001; ExAC 0.00002; gnomAD exomes 0.00002 and 0.00003; gnomAD 0.00001 and 0.00003.
gnomAD v4.1: 29 of 1,613,934 alleles (0.0018%); highest among the groups gnomAD compares: Middle Eastern, 0.016%; 1 homozygote.

Submissions (2):

PreventionGenetics, part of Exact Sciences
Classification: Likely benign for SLC25A13-related condition. Last evaluated: 2025-04-09. Review status: criteria provided, single submitter. Criteria: ACMG Guidelines, 2015. Collection method: clinical testing. Allele origin: germline.
Comment: This variant is classified as likely benign based on ACMG/AMP sequence variant interpretation guidelines (Richards et al. 2015 PMID: 25741868, with internal and published modifications).

Labcorp Genetics (formerly Invitae), Labcorp
Classification: Likely benign for Citrin deficiency. Last evaluated: 2024-02-14. Review status: criteria provided, single submitter. Criteria: Invitae Variant Classification Sherloc (09022015). Collection method: clinical testing. Allele origin: germline.

NM_014251.3(SLC25A13):c.1566C>T (p.Ser522=)

Gene: SLC25A13 (solute carrier family 25 member 13; minus strand). Cytogenetic location: 7q21.3.
Variant type: single nucleotide variant.
Coding change: c.1566C>T on transcript NM_014251.3 (MANE Select); coding-DNA position 1566, C replaced by T.
Protein change: p.Ser522=; no amino-acid change (serine 522 retained).
Molecular consequence: synonymous variant. On other transcripts: non-coding transcript variant (1).
Genome position (GRCh38, 1-based): chr7:96,131,768, G>A on the plus strand (C>T on the coding strand, the complement: SLC25A13 is on the minus strand). VCF-style: chr7-96131768-G-A. GRCh37 (hg19) VCF-style: chr7-95761080-G-A.
Other names: c.1569C>T, p.Ser523= (NM_001160210.2); c.1566C>T (NM_014251.2).
Identifiers: ClinVar variation 1111652 (VCV001111652.8), dbSNP rs771908277, ClinGen allele CA4352877.